The following is an entry in ClinVar:

ClinVar aggregate classification (germline): Pathogenic (1 of 4 stars; one submission).

Submission:

Labcorp Genetics (formerly Invitae), Labcorp
Classification: Pathogenic. Last evaluated: 2025-10-18. Review status: criteria provided, single submitter. Criteria: Invitae Variant Classification Sherloc (09022015). Collection method: clinical testing. Allele origin: germline.
Comment: This sequence change creates a premature translational stop signal (p.Tyr305*) in the WHRN gene. It is expected to result in an absent or disrupted protein product. Loss-of-function variants in WHRN are known to be pathogenic (PMID: 12833159, 15841483, 22147658). This variant is not present in population databases (gnomAD no frequency). This variant has not been reported in the literature in individuals affected with WHRN-related conditions. For these reasons, this variant has been classified as Pathogenic.

Literature cited by the submitters: PubMed 12833159; PubMed 15841483; PubMed 22147658.

NM_015404.4(WHRN):c.915C>A (p.Tyr305Ter)

Gene: WHRN (whirlin; minus strand). Cytogenetic location: 9q32.
Variant type: single nucleotide variant.
Coding change: c.915C>A on transcript NM_015404.4 (MANE Select); coding-DNA position 915, C replaced by A.
Protein change: p.Tyr305Ter; replaces tyrosine 305 with a stop codon.
Molecular consequence: nonsense. On other transcripts: 5 prime UTR variant (1).
Genome position (GRCh38, 1-based): chr9:114,466,315, G>T on the plus strand (C>A on the coding strand, the complement: WHRN is on the minus strand). VCF-style: chr9-114466315-G-T. GRCh37 (hg19) VCF-style: chr9-117228595-G-T.
Other names: c.-235C>A (NM_001083885.3); c.915C>A, p.Tyr305Ter (NM_001173425.2); short protein forms Y305*.
Identifiers: ClinVar variation 4729433 (VCV004729433.1).
Genomic context (GRCh38, chr9:114,466,315, plus strand): 5'-GCCCTCCCTCACCTTGAGCCCGCTGCCTTCTGCTTCAGAGCCTGGGTCCACGCCAGTGAT[G>T]TAAATGCCAAGGCCGTACTCAGCTCCCCCACGGATCGTGAGGCCCAGGGACCGGCCGTCC-3'